The following is an entry in ClinVar:

NM_058216.3(RAD51C):c.1063T>C (p.Cys355Arg)

Gene: RAD51C (RAD51 paralog C; plus strand). Cytogenetic location: 17q22.
Variant type: single nucleotide variant.
Coding change: c.1063T>C on transcript NM_058216.3 (MANE Select); coding-DNA position 1063, T replaced by C.
Protein change: p.Cys355Arg; replaces cysteine 355 with arginine.
Molecular consequence: missense variant. On other transcripts: non-coding transcript variant (1).
Genome position (GRCh38, 1-based): chr17:58,734,154, T>C. VCF-style: chr17-58734154-T-C. GRCh37 (hg19) VCF-style: chr17-56811515-T-C.
Other names: short protein forms C355R.
Identifiers: ClinVar variation 142389 (VCV000142389.23), dbSNP rs587782426, ClinGen allele CA168223.

ClinVar aggregate classification (germline): Conflicting classifications of pathogenicity. Review status: criteria provided, conflicting classifications (1 of 4 stars). 4 submissions from 4 submitters: Uncertain significance (3); Benign (1). Last evaluated 2025-09-30.

Conditions:
Hereditary cancer-predisposing syndrome. Also called: Neoplastic Syndromes, Hereditary; Hereditary Cancer Syndrome; Tumor predisposition; Hereditary neoplastic syndrome. Identifiers: Orphanet 140162, MedGen C0027672, MeSH D009386, MONDO:0015356.
Fanconi anemia complementation group O. Also called: RAD51C-Related Fanconi Anemia. Identifiers: Orphanet 84, MedGen C3150653, MONDO:0013248, OMIM 613390.

Allele frequency attached by ClinVar (database versions not stated): gnomAD exomes below 0.00001.
gnomAD v4.1: 3 of 1,613,750 alleles (0.00019%); highest among the groups gnomAD compares: South Asian, 0.0011%; no homozygotes.

Submissions (4):

Ambry Genetics
Classification: Benign for Hereditary cancer-predisposing syndrome. Last evaluated: 2025-09-30. Review status: criteria provided, single submitter. Criteria: Ambry Variant Classification Scheme 2023. Collection method: clinical testing. Allele origin: germline.

Blueprint Genetics
Classification: Uncertain significance. Last evaluated: 2024-06-19. Review status: criteria provided, single submitter. Criteria: ACMG Guidelines, 2015. Collection method: clinical testing. Allele origin: germline.

Labcorp Genetics (formerly Invitae), Labcorp
Classification: Uncertain significance for Fanconi anemia complementation group O. Last evaluated: 2024-05-07. Review status: criteria provided, single submitter. Criteria: Invitae Variant Classification Sherloc (09022015). Collection method: clinical testing. Allele origin: germline.
Comment: This sequence change replaces cysteine, which is neutral and slightly polar, with arginine, which is basic and polar, at codon 355 of the RAD51C protein (p.Cys355Arg). This variant is present in population databases (rs587782426, gnomAD 0.01%). This variant has not been reported in the literature in individuals affected with RAD51C-related conditions. ClinVar contains an entry for this variant (Variation ID: 142389). An algorithm developed to predict the effect of missense changes on protein structure and function (PolyPhen-2) suggests that this variant is likely to be tolerated. In summary, the available evidence is currently insufficient to determine the role of this variant in disease. Therefore, it has been classified as a Variant of Uncertain Significance.

Color Diagnostics, LLC DBA Color Health
Classification: Uncertain significance for Hereditary cancer-predisposing syndrome. Last evaluated: 2022-01-28. Review status: criteria provided, single submitter. Criteria: ACMG Guidelines, 2015. Collection method: clinical testing. Allele origin: germline.
Comment: This missense variant replaces cysteine with arginine at codon 355 of the RAD51C protein. Computational prediction suggests that this variant may not impact protein structure and function (internally defined REVEL score threshold <= 0.5, PMID: 27666373). To our knowledge, functional studies have not been reported for this variant. This variant has not been reported in individuals affected with hereditary cancer in the literature. This variant has been identified in 1/250634 chromosomes in the general population by the Genome Aggregation Database (gnomAD). The available evidence is insufficient to determine the role of this variant in disease conclusively. Therefore, this variant is classified as a Variant of Uncertain Significance.